The following is an entry in ClinVar:

ClinVar aggregate classification (germline): Conflicting classifications of pathogenicity. Review status: criteria provided, conflicting classifications (1 of 4 stars). 3 submissions from 3 submitters: Uncertain significance (2); Likely benign (1). Last evaluated 2025-11-23.

Conditions:
ARID1B-Related Disorder. Identifiers: MedGen CN381337.
Inborn genetic diseases. Identifiers: MedGen C0950123, MeSH D030342.

Submissions (3):

Labcorp Genetics (formerly Invitae), Labcorp
Classification: Uncertain significance. Last evaluated: 2025-11-23. Review status: criteria provided, single submitter. Criteria: Invitae Variant Classification Sherloc (09022015). Collection method: clinical testing. Allele origin: germline.
Comment: This variant, c.1023_1028dup, results in the insertion of 2 amino acid(s) of the ARID1B protein (p.Ala349_Ala350dup), but otherwise preserves the integrity of the reading frame. The frequency data for this variant in the population databases is considered unreliable, as metrics indicate poor data quality at this position in the gnomAD database. This variant has not been reported in the literature in individuals affected with ARID1B-related conditions. ClinVar contains an entry for this variant (Variation ID: 4077298). In summary, the available evidence is currently insufficient to determine the role of this variant in disease. Therefore, it has been classified as a Variant of Uncertain Significance.

PreventionGenetics, part of Exact Sciences
Classification: Uncertain significance for ARID1B-related condition. Last evaluated: 2025-05-02. Review status: criteria provided, single submitter. Criteria: ACMG Guidelines, 2015. Collection method: clinical testing. Allele origin: germline.
Comment: The ARID1B c.1023_1028dup6 variant is predicted to result in an in-frame duplication (p.Ala349_Ala350dup). To our knowledge, this variant has not been reported in the literature or in a large population database (gnomAD). At this time, the clinical significance of this variant is uncertain due to the absence of conclusive functional and genetic evidence.

Ambry Genetics
Classification: Likely benign for Inborn genetic diseases. Last evaluated: 2017-01-16. Review status: criteria provided, single submitter. Criteria: Ambry Variant Classification Scheme 2023. Collection method: clinical testing. Allele origin: germline.

NM_001374828.1(ARID1B):c.1266GGC[6] (p.Ala432_Ala433dup)

Gene: ARID1B (AT-rich interaction domain 1B; plus strand). Cytogenetic location: 6q25.3.
Variant type: Microsatellite.
Coding change: c.1266GGC[6] on transcript NM_001374828.1 (MANE Select); six copies in a row of the 3-base unit GGC starting at c.1266; the reference has four copies in a row; two copies, 6 bases duplicated.
Protein change: p.Ala432_Ala433dup.
Molecular consequence: inframe insertion.
Genome position (GRCh38, 1-based): chr6:156,778,952-156,778,957, GGCGGC duplicated; duplicating any 6 consecutive bases within chr6:156,778,946-156,778,957 gives the same sequence; the position shown is the placement nearest the transcript's 3' end. VCF-style (leftmost placement, unchanged base first): chr6-156778945-T-TGGCGGC. GRCh37 (hg19) VCF-style: chr6-157100079-T-TGGCGGC.
Other names: c.1266GGC[6], p.Ala432_Ala433dup (NM_001371656.1, NM_001374820.1, NM_017519.3); c.1023_1028dup6 (NM_020732.3).
Identifiers: ClinVar variation 588678 (VCV000588678.9), dbSNP rs765410747, ClinGen allele CA571907205.